The following is an entry in ClinVar:

NM_001999.4(FBN2):c.6870G>C (p.Lys2290Asn)

Gene: FBN2 (fibrillin 2; minus strand). Cytogenetic location: 5q23.3.
Variant type: single nucleotide variant.
Coding change: c.6870G>C on transcript NM_001999.4 (MANE Select); coding-DNA position 6870, G replaced by C.
Protein change: p.Lys2290Asn; replaces lysine 2290 with asparagine.
Molecular consequence: missense variant.
Genome position (GRCh38, 1-based): chr5:128,287,318, C>G on the plus strand (G>C on the coding strand, the complement: FBN2 is on the minus strand). VCF-style: chr5-128287318-C-G. GRCh37 (hg19) VCF-style: chr5-127623010-C-G.
Other names: short protein forms K2290N.
Identifiers: ClinVar variation 1714125 (VCV001714125.6), dbSNP rs2479672921, ClinGen allele CA360759441.
Genomic context (GRCh38, chr5:128,287,318, plus strand): 5'-CTCCAGCATGACAAATAAAGTTCGAACTACTCCCGAGTCTGAGGCCTTACCTTTGCACAT[C>G]TTTTGATCTTCCCTGAGGGCATAGCCAATCGGGCACGTGCATTCATAGGACCCAAAAGTG-3'
Protein context (NP_001990.2, residues 2280-2300): PIGYALREDQ[Lys2290Asn]MCKDLDECAE

ClinVar aggregate classification (germline): Uncertain significance (1 of 4 stars; one submission).

Conditions:
Congenital contractural arachnodactyly (CCA). Also called: BEALS SYNDROME; Beals-Hecht syndrome; Arthrogryposis, distal, type 9. Identifiers: Orphanet 115, MedGen C0220668, MONDO:0007363, OMIM 121050.

gnomAD v4.1: 1 of 1,613,966 alleles (0.000062%); highest among the groups gnomAD compares: African/African-American, 0.0013%; no homozygotes.

Submission:

Labcorp Genetics (formerly Invitae), Labcorp
Classification: Uncertain significance for Congenital contractural arachnodactyly. Last evaluated: 2022-10-07. Review status: criteria provided, single submitter. Criteria: Invitae Variant Classification Sherloc (09022015). Collection method: clinical testing. Allele origin: germline.
Comment: In summary, the available evidence is currently insufficient to determine the role of this variant in disease. Therefore, it has been classified as a Variant of Uncertain Significance. Advanced modeling of protein sequence and biophysical properties (such as structural, functional, and spatial information, amino acid conservation, physicochemical variation, residue mobility, and thermodynamic stability) performed at Invitae indicates that this missense variant is not expected to disrupt FBN2 protein function. This variant has not been reported in the literature in individuals affected with FBN2-related conditions. This variant is not present in population databases (gnomAD no frequency). This sequence change replaces lysine, which is basic and polar, with asparagine, which is neutral and polar, at codon 2290 of the FBN2 protein (p.Lys2290Asn).